The following is an entry in ClinVar:

ClinVar aggregate classification (germline): Uncertain significance. Review status: criteria provided, multiple submitters, no conflicts (2 of 4 stars). 2 submissions from 2 submitters: Uncertain significance (2). Last evaluated 2025-12-18.

Allele frequency attached by ClinVar (database versions not stated): gnomAD 0.00001; TOPMed 0.00002.
gnomAD v4.1: 8 of 1,040,486 alleles (0.00077%); highest among the groups gnomAD compares: Non-Finnish European, 0.00092%; no homozygotes.

Submissions (2):

Ambry Genetics
Classification: Uncertain significance. Last evaluated: 2025-12-18. Review status: criteria provided, single submitter. Criteria: Ambry Variant Classification Scheme 2023. Collection method: clinical testing. Allele origin: germline.
Comment: The p.R60G variant (also known as c.178C>G), located in coding exon 1 of the GALNT12 gene, results from a C to G substitution at nucleotide position 178. The arginine at codon 60 is replaced by glycine, an amino acid with dissimilar properties. This amino acid position is highly conserved in available vertebrate species. In addition, this alteration is predicted to be tolerated by BayesDel in silico analysis. Since supporting evidence is limited at this time, the clinical significance of this alteration remains unclear.

Labcorp Genetics (formerly Invitae), Labcorp
Classification: Uncertain significance. Last evaluated: 2022-10-08. Review status: criteria provided, single submitter. Criteria: Invitae Variant Classification Sherloc (09022015). Collection method: clinical testing. Allele origin: germline.
Comment: ClinVar contains an entry for this variant (Variation ID: 820077). This variant has not been reported in the literature in individuals affected with GALNT12-related conditions. The frequency data for this variant in the population databases is considered unreliable, as metrics indicate insufficient coverage at this position in the gnomAD database. This sequence change replaces arginine, which is basic and polar, with glycine, which is neutral and non-polar, at codon 60 of the GALNT12 protein (p.Arg60Gly). In summary, the available evidence is currently insufficient to determine the role of this variant in disease. Therefore, it has been classified as a Variant of Uncertain Significance. Algorithms developed to predict the effect of missense changes on protein structure and function are either unavailable or do not agree on the potential impact of this missense change (SIFT: "Tolerated"; PolyPhen-2: "Not Available"; Align-GVGD: "Class C0").

NM_024642.5(GALNT12):c.178C>G (p.Arg60Gly)

Gene: GALNT12 (polypeptide N-acetylgalactosaminyltransferase 12; plus strand). Cytogenetic location: 9q22.33.
Variant type: single nucleotide variant.
Coding change: c.178C>G on transcript NM_024642.5 (MANE Select); coding-DNA position 178, C replaced by G.
Protein change: p.Arg60Gly; replaces arginine 60 with glycine.
Molecular consequence: missense variant.
Genome position (GRCh38, 1-based): chr9:98,807,876, C>G. VCF-style: chr9-98807876-C-G. GRCh37 (hg19) VCF-style: chr9-101570158-C-G.
Other names: short protein forms R60G.
Identifiers: ClinVar variation 820077 (VCV000820077.12), dbSNP rs992673909, ClinGen allele CA196833805.